The following is an entry in ClinVar:

ClinVar aggregate classification (germline): Uncertain significance (1 of 4 stars; one submission).

Submission:

Labcorp Genetics (formerly Invitae), Labcorp
Classification: Uncertain significance. Last evaluated: 2023-09-29. Review status: criteria provided, single submitter. Criteria: Invitae Variant Classification Sherloc (09022015). Collection method: clinical testing. Allele origin: germline.
Comment: This sequence change replaces leucine, which is neutral and non-polar, with arginine, which is basic and polar, at codon 5 of the SCN3A protein (p.Leu5Arg). In summary, the available evidence is currently insufficient to determine the role of this variant in disease. Therefore, it has been classified as a Variant of Uncertain Significance. Advanced modeling of protein sequence and biophysical properties (such as structural, functional, and spatial information, amino acid conservation, physicochemical variation, residue mobility, and thermodynamic stability) has been performed at Invitae for this missense variant, however the output from this modeling did not meet the statistical confidence thresholds required to predict the impact of this variant on SCN3A protein function. This variant has not been reported in the literature in individuals affected with SCN3A-related conditions. This variant is not present in population databases (gnomAD no frequency).

NM_006922.4(SCN3A):c.14T>G (p.Leu5Arg)

Gene: SCN3A (sodium voltage-gated channel alpha subunit 3; minus strand). Cytogenetic location: 2q24.3.
Variant type: single nucleotide variant.
Coding change: c.14T>G on transcript NM_006922.4 (MANE Select); coding-DNA position 14, T replaced by G.
Protein change: p.Leu5Arg; replaces leucine 5 with arginine.
Molecular consequence: missense variant.
Genome position (GRCh38, 1-based): chr2:165,176,381, A>C on the plus strand (T>G on the coding strand, the complement: SCN3A is on the minus strand). VCF-style: chr2-165176381-A-C. GRCh37 (hg19) VCF-style: chr2-166032891-A-C.
Other names: c.14T>G, p.Leu5Arg (NM_001081676.2, NM_001081677.2); short protein forms L5R.
Identifiers: ClinVar variation 2726200 (VCV002726200.3), dbSNP rs2468567146, ClinGen allele CA349241254.